The following is an entry in ClinVar:

NM_000419.5(ITGA2B):c.59T>G (p.Leu20Arg)

Gene: ITGA2B (integrin subunit alpha 2b; minus strand). Cytogenetic location: 17q21.31.
Variant type: single nucleotide variant.
Coding change: c.59T>G on transcript NM_000419.5 (MANE Select); coding-DNA position 59, T replaced by G.
Protein change: p.Leu20Arg; replaces leucine 20 with arginine.
Molecular consequence: missense variant.
Genome position (GRCh38, 1-based): chr17:44,389,415, A>C on the plus strand (T>G on the coding strand, the complement: ITGA2B is on the minus strand). VCF-style: chr17-44389415-A-C. GRCh37 (hg19) VCF-style: chr17-42466783-A-C.
Other names: short protein forms L20R.
Identifiers: ClinVar variation 1703869 (VCV001703869.4), dbSNP rs2048679372, ClinGen allele CA399807023.
Genomic context (GRCh38, chr17:44,389,415, plus strand): 5'-GTGAGCTGCACTGGGTCCAGGTTCAAGGCCCAGGCTGGAGGGGCAGCACAAGGTCCCAAG[A>C]GCAGCAGCACCCACTCCAGAAGCCAGAGGGCTTGCAGTGGACACAAAGCTCTGGCCATCT-3'
Protein context (NP_000410.2, residues 10-30): ALWLLEWVLL[Leu20Arg]LGPCAAPPAW

ClinVar aggregate classification (germline): Likely pathogenic. Review status: reviewed by expert panel (3 of 4 stars). 2 submissions from 2 submitters: Likely pathogenic (1). 1 of the submissions does not count toward it. Last evaluated 2025-02-18.

Conditions:
Glanzmann thrombasthenia 1 (GT1). Also called: BLEEDING DISORDER, PLATELET-TYPE, 2; GP IIb-IIIa COMPLEX DEFICIENCY; GLYCOPROTEIN COMPLEX IIb-IIIa DEFICIENCY; PLATELET FIBRINOGEN RECEPTOR DEFICIENCY. Identifiers: MedGen CN300358, MONDO:0031332, OMIM 273800.
Glanzmann thrombasthenia. Also called: Glanzmann's thrombasthenia; THROMBASTHENIA OF GLANZMANN AND NAEGELI; PLATELET GLYCOPROTEIN IIb-IIIa DEFICIENCY; Thrombasthenia. Identifiers: Orphanet 849, MedGen C0040015, MONDO:0100326.

Submissions (2):

ClinGen Platelet Disorders Variant Curation Expert Panel, ClinGen
Classification: Likely pathogenic for Glanzmann thrombasthenia. Last evaluated: 2025-02-18. Review status: reviewed by expert panel. Criteria: ClinGen Platelet ACMG Specifications v2-1. Collection method: curation. Allele origin: germline. Inheritance: Autosomal recessive inheritance.
Comment: The NM_000419.5:c.59T>G variant in ITGA2B is a missense variant predicted to cause substitution of leucine by arginine at amino acid 20 (p.Leu20Arg). This variant has been observed in homozygosity in one individual (reported via personal communication with Dr. Jose Rivera, Servicio de Hematologıa y Oncologıa Medica, Hospital Universitario Morales Meseguer, Centro Regional de Hemodonacion, Universidad de Murcia) (PM3_Supporting). This individual displayed mucocutaneous bleeding and impaired aggregation with all agonists except ristocetin, which is highly specific for Glanzmann thrombasthenia. Additionally, αIIbβ3 surface expression was reduced to <5%, as measured by flow cytometry and Western blot, and ITGA2B and ITGB3 were sequenced across all exons and intron/exon boundaries (PP4_Strong). This variant is absent from gnomAD v4.1 (PM2_Supporting). Furthermore, the computational predictor REVEL gives a score of 0.772, which is above the ClinGen Platelet Disorders VCEP threshold of >0.7 and predicts a damaging effect on function (PP3). In summary this variant meets criteria to be classified as likely pathogenic for autosomal recessive Glanzmann Thrombasthenia based on the ACMG/AMP criteria applied, as specified by the ClinGen PD VCEP: PM2_Supporting, PM3_Supporting, PP3, PP4_Strong. (VCEP specifications version 2)

ISTH-SSC Genomics in Thrombosis and Hemostasis, KU Leuven, Center for Molecular and Vascular Biology
Classification: Uncertain significance for Glanzmann thrombasthenia 1. Review status: criteria provided, single submitter. Criteria: ACMG Guidelines, 2015. Collection method: clinical testing. Allele origin: germline. Affected: yes. Observed: 1 homozygote. Not counted in ClinVar's aggregate classification.
Comment: Submitted to GoldVariant by Jose María Bastida and José Rivera; Grupo Español de Alteraciones Plaquetarias Congénitas (GEAPC)